The following is an entry in ClinVar:

NM_000488.4(SERPINC1):c.21A>T (p.Gly7=)

Gene: SERPINC1 (serpin family C member 1; minus strand). Cytogenetic location: 1q25.1.
Variant type: single nucleotide variant.
Coding change: c.21A>T on transcript NM_000488.4 (MANE Select); coding-DNA position 21, A replaced by T.
Protein change: p.Gly7=; no amino-acid change (glycine 7 retained).
Molecular consequence: synonymous variant. On other transcripts: 5 prime UTR variant (1).
Genome position (GRCh38, 1-based): chr1:173,917,239, T>A on the plus strand (A>T on the coding strand, the complement: SERPINC1 is on the minus strand). VCF-style: chr1-173917239-T-A. GRCh37 (hg19) VCF-style: chr1-173886377-T-A.
Other names: NM_000488.4(SERPINC1):c.21A>T; p.Gly7=; c.-293A>T (NM_001365052.2); c.21A>T, p.Gly7= (NM_001386302.1, NM_001386303.1, NM_001386304.1 and 2 more transcripts).
Identifiers: ClinVar variation 2098360 (VCV002098360.5), dbSNP rs2526612908, ClinGen allele CA421823465.

ClinVar aggregate classification (germline): Likely benign. Review status: reviewed by expert panel (3 of 4 stars). 2 submissions from 2 submitters: Likely benign (1). 1 of the submissions does not count toward it. Last evaluated 2024-10-02.

Conditions:
Hereditary antithrombin deficiency (AT3D). Also called: Antithrombin III deficiency; Thrombophilia due to antithrombin III deficiency; Antithrombin deficiency; Reduced antithrombin III activity. Identifiers: Orphanet 82, MedGen C0272375, MONDO:0013144, OMIM 613118, HP:0001976.

Submissions (2):

Clingen Thrombosis Variant Curation Expert Panel, ClinGen
Classification: Likely benign for Hereditary antithrombin deficiency. Last evaluated: 2024-10-02. Review status: reviewed by expert panel. Criteria: ClinGen ACMG Specifications SERPINC1 V1.0.0. Collection method: curation. Allele origin: germline. Inheritance: Autosomal dominant inheritance.
Comment: The c.21A>T (NM_000488.4) variant in SERPINC1 does not code for a different amino acid (p.Gly7=). The variant is completely absent from gnomAD v2.1.1, v3.1.2, and v4.1.0 with a good coverage profile across both genomes and exomes in this region meeting PM2_supporting. SpliceAI predicts no splicing impact for this variant meeting BP4. The variant is not predicted to cause a splicing impact and the nucleotide is weakly conserved with a PhyloP100 score of -0.0436063 meeting BP7 criteria (PhyloP < 0.1). In summary, this variant meets criteria to be classified as likely benign. ACMG/AMP criteria applied, as specified by the Thrombosis Variant Curation Expert Panel for SERPINC1: BP4, BP7, PM2_supporting.

Labcorp Genetics (formerly Invitae), Labcorp
Classification: Uncertain significance for Hereditary antithrombin deficiency. Last evaluated: 2022-05-13. Review status: criteria provided, single submitter. Criteria: Invitae Variant Classification Sherloc (09022015). Collection method: clinical testing. Allele origin: germline. Not counted in ClinVar's aggregate classification.
Comment: In summary, the available evidence is currently insufficient to determine the role of this variant in disease. Therefore, it has been classified as a Variant of Uncertain Significance. Algorithms developed to predict the effect of sequence changes on RNA splicing suggest that this variant may create or strengthen a splice site. This variant has not been reported in the literature in individuals affected with SERPINC1-related conditions. This variant is not present in population databases (gnomAD no frequency). This sequence change affects codon 7 of the SERPINC1 mRNA. It is a 'silent' change, meaning that it does not change the encoded amino acid sequence of the SERPINC1 protein.